The following is an entry in ClinVar:

ClinVar aggregate classification (germline): Uncertain significance. Review status: criteria provided, multiple submitters, no conflicts (2 of 4 stars). 2 submissions from 2 submitters: Uncertain significance (2). Last evaluated 2025-08-09.

Allele frequency attached by ClinVar (database versions not stated): gnomAD exomes 0.00001; ESP Exome Variant Server 0.00008.
gnomAD v4.1: 3 of 1,613,914 alleles (0.00019%); highest among the groups gnomAD compares: Non-Finnish European, 0.00025%; no homozygotes.

Submissions (2):

Ambry Genetics
Classification: Uncertain significance. Last evaluated: 2025-08-09. Review status: criteria provided, single submitter. Criteria: Ambry Variant Classification Scheme 2023. Collection method: clinical testing. Allele origin: germline.

Labcorp Genetics (formerly Invitae), Labcorp
Classification: Uncertain significance. Last evaluated: 2022-09-29. Review status: criteria provided, single submitter. Criteria: Invitae Variant Classification Sherloc (09022015). Collection method: clinical testing. Allele origin: germline.
Comment: In summary, the available evidence is currently insufficient to determine the role of this variant in disease. Therefore, it has been classified as a Variant of Uncertain Significance. Algorithms developed to predict the effect of missense changes on protein structure and function are either unavailable or do not agree on the potential impact of this missense change (SIFT: "Deleterious"; PolyPhen-2: "Benign"; Align-GVGD: "Class C65"). This variant has not been reported in the literature in individuals affected with NEK2-related conditions. This variant is present in population databases (rs369153129, gnomAD 0.0009%). This sequence change replaces arginine, which is basic and polar, with leucine, which is neutral and non-polar, at codon 26 of the NEK2 protein (p.Arg26Leu).

NM_002497.4(NEK2):c.77G>T (p.Arg26Leu)

Genes: NEK2 (NIMA related kinase 2; minus strand), LOC129932452 (ATAC-STARR-seq lymphoblastoid active region 2489; plus strand). Cytogenetic location: 1q32.3.
Variant type: single nucleotide variant.
Coding change: c.77G>T on transcript NM_002497.4 (MANE Select); coding-DNA position 77, G replaced by T.
Protein change: p.Arg26Leu; replaces arginine 26 with leucine.
Molecular consequence: missense variant.
Genome position (GRCh38, 1-based): chr1:211,675,403, C>A on the plus strand (G>T on the coding strand, the complement: NEK2 is on the minus strand). VCF-style: chr1-211675403-C-A. GRCh37 (hg19) VCF-style: chr1-211848745-C-A.
Other names: c.77G>T, p.Arg26Leu (NM_001204182.2, NM_001204183.2); c.77G>T (NM_002497.3); short protein forms R26L.
Identifiers: ClinVar variation 1966233 (VCV001966233.6), dbSNP rs369153129, ClinGen allele CA36826594.